The following is an entry in ClinVar:

NM_000275.3(OCA2):c.1897G>T (p.Val633Phe)

Gene: OCA2 (OCA2 melanosomal transmembrane protein; minus strand). Cytogenetic location: 15q13.1.
Variant type: single nucleotide variant.
Coding change: c.1897G>T on transcript NM_000275.3 (MANE Select); coding-DNA position 1897, G replaced by T.
Protein change: p.Val633Phe; replaces valine 633 with phenylalanine.
Molecular consequence: missense variant.
Genome position (GRCh38, 1-based): chr15:27,951,838, C>A on the plus strand (G>T on the coding strand, the complement: OCA2 is on the minus strand). VCF-style: chr15-27951838-C-A. GRCh37 (hg19) VCF-style: chr15-28196984-C-A.
Other names: c.1825G>T, p.Val609Phe (NM_001300984.2); short protein forms V609F, V633F.
Identifiers: ClinVar variation 1303875 (VCV001303875.2), dbSNP rs1372200062, ClinGen allele CA391364409.
Genomic context (GRCh38, chr15:27,951,838, plus strand): 5'-ACTCACCAAGATCAAGATGAATGCCAGGGACAAACGAATTGAGGAAAAACATGAAGATAA[C>A]AAATCCCAACACTGTCAGGCATTTGGCGAGCAGAATCCCGTCAGATATCCTATGCTGTAA-3'
Protein context (NP_000266.2, residues 623-643): LAKCLTVLGF[Val633Phe]IFMFFLNSFV

ClinVar aggregate classification (germline): Uncertain significance (1 of 4 stars; one submission).

Submission:

GeneDx
Classification: Uncertain significance. Last evaluated: 2020-07-23. Review status: criteria provided, single submitter. Criteria: GeneDx Variant Classification Process June 2021. Collection method: clinical testing. Allele origin: germline. Affected: yes.
Comment: Not observed in large population cohorts (Lek et al., 2016); In silico analysis supports that this missense variant has a deleterious effect on protein structure/function; Has not been previously published as pathogenic or benign to our knowledge